The following is an entry in ClinVar:

ClinVar aggregate classification (germline): Uncertain significance (1 of 4 stars; one submission).

Submission:

Ambry Genetics
Classification: Uncertain significance. Last evaluated: 2023-03-17. Review status: criteria provided, single submitter. Criteria: Ambry Variant Classification Scheme 2023. Collection method: clinical testing. Allele origin: germline.
Comment: The p.Y380H variant (also known as c.1138T>C), located in coding exon 3 of the EGLN1 gene, results from a T to C substitution at nucleotide position 1138. The tyrosine at codon 380 is replaced by histidine, an amino acid with similar properties. This amino acid position is conserved. In addition, this alteration is predicted to be tolerated by in silico analysis. Since supporting evidence is limited at this time, the clinical significance of this alteration remains unclear.

NM_022051.3(EGLN1):c.1138T>C (p.Tyr380His)

Gene: EGLN1 (egl-9 family hypoxia inducible factor 1; minus strand). Cytogenetic location: 1q42.2.
Variant type: single nucleotide variant.
Coding change: c.1138T>C on transcript NM_022051.3 (MANE Select); coding-DNA position 1138, T replaced by C.
Protein change: p.Tyr380His; replaces tyrosine 380 with histidine.
Molecular consequence: missense variant. On other transcripts: intron variant (1).
Genome position (GRCh38, 1-based): chr1:231,370,572, A>G on the plus strand (T>C on the coding strand, the complement: EGLN1 is on the minus strand). VCF-style: chr1-231370572-A-G. GRCh37 (hg19) VCF-style: chr1-231506318-A-G.
Other names: c.1138T>C, p.Tyr380His (NM_001377260.1); c.1012-2936T>C (NM_001377261.1); short protein forms Y380H.
Identifiers: ClinVar variation 2565122 (VCV002565122.2), dbSNP rs2527228146, ClinGen allele CA345240037.